The following is an entry in ClinVar:

ClinVar aggregate classification (germline): Likely pathogenic (1 of 4 stars; one submission).

Conditions:
Tooth agenesis, selective, 3 (STHAG3). Also called: HYPODONTIA/OLIGODONTIA 3. Identifiers: Orphanet 99798, MedGen C1970291, MONDO:0011477, OMIM 604625. Disease mechanism: loss of function.

Submission:

UAEU Genomics Laboratory, United Arab Emirates University
Classification: Likely pathogenic for Tooth agenesis, selective, 3. Last evaluated: 2022-03-08. Review status: criteria provided, single submitter. Criteria: ACMG Guidelines, 2015. Collection method: research. Allele origin: de novo. Affected: yes. Observed: 1 variant allele.
Comment: PM2, PP3, PM5, PS2

NM_001372076.1(PAX9):c.146C>G (p.Ser49Trp)

Gene: PAX9 (paired box 9; plus strand). Cytogenetic location: 14q13.3.
Variant type: single nucleotide variant.
Coding change: c.146C>G on transcript NM_001372076.1 (MANE Select); coding-DNA position 146, C replaced by G.
Protein change: p.Ser49Trp; replaces serine 49 with tryptophan.
Molecular consequence: missense variant.
Genome position (GRCh38, 1-based): chr14:36,663,038, C>G. VCF-style: chr14-36663038-C-G. GRCh37 (hg19) VCF-style: chr14-37132243-C-G.
Other names: c.146C>G, p.Ser49Trp (NM_006194.4); short protein forms S49W.
Identifiers: ClinVar variation 5042566 (VCV005042566.1).
Genomic context (GRCh38, chr14:36,663,038, plus strand): 5'-TCGTGGAACTGGCCCAACTGGGCATCCGACCGTGTGACATCAGCCGCCAGCTACGGGTCT[C>G]GCACGGCTGCGTCAGCAAGATCCTGGCGCGATACAACGAGACGGGCTCGATCTTGCCAGG-3'
Protein context (NP_001359005.1, residues 39-59): PCDISRQLRV[Ser49Trp]HGCVSKILAR